The following is an entry in ClinVar:

NM_145207.3(AFG2A):c.1511C>A (p.Ala504Asp)

Gene: AFG2A (AAA ATPase AFG2A; plus strand). Cytogenetic location: 4q28.1.
Variant type: single nucleotide variant.
Coding change: c.1511C>A on transcript NM_145207.3 (MANE Select); coding-DNA position 1511, C replaced by A.
Protein change: p.Ala504Asp; replaces alanine 504 with aspartic acid.
Molecular consequence: missense variant.
Genome position (GRCh38, 1-based): chr4:122,947,285, C>A. VCF-style: chr4-122947285-C-A. GRCh37 (hg19) VCF-style: chr4-123868440-C-A.
Other names: c.1508C>A, p.Ala503Asp (NM_001317799.2, NM_001345856.2); short protein forms A503D, A504D.
Identifiers: ClinVar variation 2014804 (VCV002014804.3), dbSNP rs987809039, ClinGen allele CA104829645.

ClinVar aggregate classification (germline): Uncertain significance (1 of 4 stars; one submission).

Conditions:
Microcephaly-intellectual disability-sensorineural hearing loss-epilepsy-abnormal muscle tone syndrome (NEDHSB). Also called: NEURODEVELOPMENTAL DISORDER WITH HEARING LOSS, SEIZURES, AND BRAIN ABNORMALITIES. Identifiers: Orphanet 457351, MedGen C4225276, MONDO:0014698, OMIM 616577.

Allele frequency attached by ClinVar (database versions not stated): TOPMed below 0.00001.
gnomAD v4.1: 4 of 1,612,122 alleles (0.00025%); highest among the groups gnomAD compares: Non-Finnish European, 0.00034%; no homozygotes.

Submission:

Labcorp Genetics (formerly Invitae), Labcorp
Classification: Uncertain significance for Microcephaly-intellectual disability-sensorineural hearing loss-epilepsy-abnormal muscle tone syndrome. Last evaluated: 2022-07-06. Review status: criteria provided, single submitter. Criteria: Invitae Variant Classification Sherloc (09022015). Collection method: clinical testing. Allele origin: germline.
Comment: This variant is not present in population databases (gnomAD no frequency). In summary, the available evidence is currently insufficient to determine the role of this variant in disease. Therefore, it has been classified as a Variant of Uncertain Significance. Advanced modeling of protein sequence and biophysical properties (such as structural, functional, and spatial information, amino acid conservation, physicochemical variation, residue mobility, and thermodynamic stability) performed at Invitae indicates that this missense variant is expected to disrupt SPATA5 protein function. This variant has not been reported in the literature in individuals affected with SPATA5-related conditions. This sequence change replaces alanine, which is neutral and non-polar, with aspartic acid, which is acidic and polar, at codon 504 of the SPATA5 protein (p.Ala504Asp).